The following is an entry in ClinVar:

ClinVar aggregate classification (germline): Uncertain significance (1 of 4 stars; one submission).

Submission:

Labcorp Genetics (formerly Invitae), Labcorp
Classification: Uncertain significance. Last evaluated: 2023-12-19. Review status: criteria provided, single submitter. Criteria: Invitae Variant Classification Sherloc (09022015). Collection method: clinical testing. Allele origin: germline.
Comment: This sequence change replaces isoleucine, which is neutral and non-polar, with threonine, which is neutral and polar, at codon 1552 of the COL27A1 protein (p.Ile1552Thr). This variant is not present in population databases (gnomAD no frequency). This variant has not been reported in the literature in individuals affected with COL27A1-related conditions. Advanced modeling of protein sequence and biophysical properties (such as structural, functional, and spatial information, amino acid conservation, physicochemical variation, residue mobility, and thermodynamic stability) performed at Invitae indicates that this missense variant is not expected to disrupt COL27A1 protein function with a negative predictive value of 80%. In summary, the available evidence is currently insufficient to determine the role of this variant in disease. Therefore, it has been classified as a Variant of Uncertain Significance.

NM_032888.4(COL27A1):c.4655T>C (p.Ile1552Thr)

Gene: COL27A1 (collagen type XXVII alpha 1 chain; plus strand). Cytogenetic location: 9q32.
Variant type: single nucleotide variant.
Coding change: c.4655T>C on transcript NM_032888.4 (MANE Select); coding-DNA position 4655, T replaced by C.
Protein change: p.Ile1552Thr; replaces isoleucine 1552 with threonine.
Molecular consequence: missense variant.
Genome position (GRCh38, 1-based): chr9:114,300,641, T>C. VCF-style: chr9-114300641-T-C. GRCh37 (hg19) VCF-style: chr9-117062921-T-C.
Other names: short protein forms I1552T.
Identifiers: ClinVar variation 2895931 (VCV002895931.3), dbSNP rs2490350438, ClinGen allele CA374592423.